The following is an entry in ClinVar:

NM_002691.4(POLD1):c.299A>G (p.Glu100Gly)

Gene: POLD1 (DNA polymerase delta 1, catalytic subunit; plus strand). Cytogenetic location: 19q13.33.
Variant type: single nucleotide variant.
Coding change: c.299A>G on transcript NM_002691.4 (MANE Select); coding-DNA position 299, A replaced by G.
Protein change: p.Glu100Gly; replaces glutamic acid 100 with glycine.
Molecular consequence: missense variant. On other transcripts: non-coding transcript variant (1).
Genome position (GRCh38, 1-based): chr19:50,399,467, A>G. VCF-style: chr19-50399467-A-G. GRCh37 (hg19) VCF-style: chr19-50902724-A-G.
Other names: c.299A>G, p.Glu100Gly (NM_001256849.1, NM_001308632.1); short protein forms E100G.
Identifiers: ClinVar variation 1798606 (VCV001798606.2), dbSNP rs2513937690, ClinGen allele CA406970639.

ClinVar aggregate classification (germline): Uncertain significance (1 of 4 stars; one submission).

Conditions:
Hereditary cancer-predisposing syndrome. Also called: Neoplastic Syndromes, Hereditary; Tumor predisposition; Hereditary Cancer Syndrome; Hereditary neoplastic syndrome. Identifiers: Orphanet 140162, MedGen C0027672, MeSH D009386, MONDO:0015356.

Submission:

Ambry Genetics
Classification: Uncertain significance for Hereditary cancer-predisposing syndrome. Last evaluated: 2022-07-14. Review status: criteria provided, single submitter. Criteria: Ambry Variant Classification Scheme 2023. Collection method: clinical testing. Allele origin: germline.
Comment: The p.E100G variant (also known as c.299A>G), located in coding exon 2 of the POLD1 gene, results from an A to G substitution at nucleotide position 299. The glutamic acid at codon 100 is replaced by glycine, an amino acid with similar properties. This amino acid position is conserved. In addition, this alteration is predicted to be tolerated by in silico analysis. Since supporting evidence is limited at this time, the clinical significance of this alteration remains unclear.